The following is an entry in ClinVar:

ClinVar aggregate classification (germline): Uncertain significance. Review status: criteria provided, multiple submitters, no conflicts (2 of 4 stars). 2 submissions from 2 submitters: Uncertain significance (2). Last evaluated 2025-12-22.

Conditions:
Disseminated atypical mycobacterial infection. Identifiers: MedGen C0694566.
Inborn genetic diseases. Identifiers: MedGen C0950123, MeSH D030342.

Allele frequency attached by ClinVar (database versions not stated): TOPMed below 0.00001; gnomAD 0.00001.
gnomAD v4.1: 17 of 1,610,910 alleles (0.0011%); highest among the groups gnomAD compares: Admixed American, 0.0033%; no homozygotes.

Submissions (2):

Labcorp Genetics (formerly Invitae), Labcorp
Classification: Uncertain significance for Disseminated atypical mycobacterial infection. Last evaluated: 2025-12-22. Review status: criteria provided, single submitter. Criteria: Invitae Variant Classification Sherloc (09022015). Collection method: clinical testing. Allele origin: germline.
Comment: This sequence change replaces alanine, which is neutral and non-polar, with valine, which is neutral and non-polar, at codon 203 of the IFNGR1 protein (p.Ala203Val). This variant is present in population databases (no rsID available, gnomAD 0.004%). This variant has not been reported in the literature in individuals affected with IFNGR1-related conditions. ClinVar contains an entry for this variant (Variation ID: 2180600). Invitae Evidence Modeling of protein sequence and biophysical properties (such as structural, functional, and spatial information, amino acid conservation, physicochemical variation, residue mobility, and thermodynamic stability) indicates that this missense variant is not expected to disrupt IFNGR1 protein function with a negative predictive value of 80%. In summary, the available evidence is currently insufficient to determine the role of this variant in disease. Therefore, it has been classified as a Variant of Uncertain Significance.

Ambry Genetics
Classification: Uncertain significance for Inborn genetic diseases. Last evaluated: 2025-02-04. Review status: criteria provided, single submitter. Criteria: Ambry Variant Classification Scheme 2023. Collection method: clinical testing. Allele origin: germline.

NM_000416.3(IFNGR1):c.608C>T (p.Ala203Val)

Gene: IFNGR1 (interferon gamma receptor 1; minus strand). Cytogenetic location: 6q23.3.
Variant type: single nucleotide variant.
Coding change: c.608C>T on transcript NM_000416.3 (MANE Select); coding-DNA position 608, C replaced by T.
Protein change: p.Ala203Val; replaces alanine 203 with valine.
Molecular consequence: missense variant.
Genome position (GRCh38, 1-based): chr6:137,203,624, G>A on the plus strand (C>T on the coding strand, the complement: IFNGR1 is on the minus strand). VCF-style: chr6-137203624-G-A. GRCh37 (hg19) VCF-style: chr6-137524761-G-A.
Other names: c.578C>T, p.Ala193Val (NM_001363526.1); c.485C>T, p.Ala162Val (NM_001363527.1); short protein forms A193V, A203V, A162V.
Identifiers: ClinVar variation 2180600 (VCV002180600.5), dbSNP rs1258321707, ClinGen allele CA365774894.